The following is an entry in ClinVar:

NM_015450.3(POT1):c.678T>A (p.His226Gln)

Gene: POT1 (protection of telomeres 1; minus strand). Cytogenetic location: 7q31.33.
Variant type: single nucleotide variant.
Coding change: c.678T>A on transcript NM_015450.3 (MANE Select); coding-DNA position 678, T replaced by A.
Protein change: p.His226Gln; replaces histidine 226 with glutamine.
Molecular consequence: missense variant. On other transcripts: non-coding transcript variant (3).
Genome position (GRCh38, 1-based): chr7:124,858,981, A>T on the plus strand (T>A on the coding strand, the complement: POT1 is on the minus strand). VCF-style: chr7-124858981-A-T. GRCh37 (hg19) VCF-style: chr7-124499035-A-T.
Other names: c.285T>A, p.His95Gln (NM_001042594.2); short protein forms H95Q, H226Q.
Identifiers: ClinVar variation 5027201 (VCV005027201.1).

ClinVar aggregate classification (germline): Uncertain significance (1 of 4 stars; one submission).

Conditions:
Hereditary cancer-predisposing syndrome. Also called: Neoplastic Syndromes, Hereditary; Tumor predisposition; Hereditary neoplastic syndrome; Hereditary Cancer Syndrome. Identifiers: Orphanet 140162, MedGen C0027672, MeSH D009386, MONDO:0015356.

Submission:

Ambry Genetics
Classification: Uncertain significance for Hereditary cancer-predisposing syndrome. Last evaluated: 2026-09-07. Review status: criteria provided, single submitter. Criteria: Ambry Variant Classification Scheme 2023. Collection method: clinical testing. Allele origin: germline.
Comment: The p.H226Q variant (also known as c.678T>A), located in coding exon 5 of the POT1 gene, results from a T to A substitution at nucleotide position 678. The histidine at codon 226 is replaced by glutamine, an amino acid with highly similar properties. This amino acid position is conserved. In addition, this alteration is predicted to be deleterious by in silico analysis. Based on the available evidence, the clinical significance of this variant remains unclear.